The following is an entry in ClinVar:

ClinVar aggregate classification (germline): Uncertain significance. Review status: criteria provided, multiple submitters, no conflicts (2 of 4 stars). 2 submissions from 2 submitters: Uncertain significance (2). Last evaluated 2024-04-15.

Conditions:
Autosomal dominant hypocalcemia 1 (HYPOC1). Also called: HYPOCALCEMIA, FAMILIAL. Identifiers: MedGen C3715128, MONDO:0011013, OMIM 601198.
Familial hypocalciuric hypercalcemia (FHH). Also called: Familial benign hypercalcemia. Identifiers: Orphanet 405, MedGen C1809471, MONDO:0018458.
Nephrolithiasis/nephrocalcinosis. Identifiers: MedGen CN580796.

Allele frequency attached by ClinVar (database versions not stated): gnomAD exomes below 0.00001; gnomAD 0.00001; TOPMed 0.00002.
gnomAD v4.1: 1 of 1,614,036 alleles (0.000062%); highest among the groups gnomAD compares: African/African-American, 0.0013%; no homozygotes.

Submissions (2):

Labcorp Genetics (formerly Invitae), Labcorp
Classification: Uncertain significance for Familial hypocalciuric hypercalcemia; Autosomal dominant hypocalcemia 1. Last evaluated: 2024-04-15. Review status: criteria provided, single submitter. Criteria: Invitae Variant Classification Sherloc (09022015). Collection method: clinical testing. Allele origin: germline.
Comment: This sequence change replaces leucine, which is neutral and non-polar, with phenylalanine, which is neutral and non-polar, at codon 51 of the CASR protein (p.Leu51Phe). This variant is present in population databases (no rsID available, gnomAD 0.007%). This variant has not been reported in the literature in individuals affected with CASR-related conditions. ClinVar contains an entry for this variant (Variation ID: 956152). An algorithm developed to predict the effect of missense changes on protein structure and function (PolyPhen-2) suggests that this variant is likely to be disruptive. In summary, the available evidence is currently insufficient to determine the role of this variant in disease. Therefore, it has been classified as a Variant of Uncertain Significance.

Ambry Genetics
Classification: Uncertain significance for Nephrolithiasis/nephrocalcinosis. Last evaluated: 2021-10-29. Review status: criteria provided, single submitter. Criteria: Ambry Variant Classification Scheme 2023. Collection method: clinical testing. Allele origin: germline.
Comment: The p.L51F variant (also known as c.151C>T), located in coding exon 1 of the CASR gene, results from a C to T substitution at nucleotide position 151. The leucine at codon 51 is replaced by phenylalanine, an amino acid with highly similar properties. This amino acid position is conserved. In addition, the in silico prediction for this alteration is inconclusive. Since supporting evidence is limited at this time, the clinical significance of this alteration remains unclear.

NM_000388.4(CASR):c.151C>T (p.Leu51Phe)

Gene: CASR (calcium sensing receptor; plus strand). Cytogenetic location: 3q21.1.
Variant type: single nucleotide variant.
Coding change: c.151C>T on transcript NM_000388.4 (MANE Select); coding-DNA position 151, C replaced by T.
Protein change: p.Leu51Phe; replaces leucine 51 with phenylalanine.
Molecular consequence: missense variant.
Genome position (GRCh38, 1-based): chr3:122,254,340, C>T. VCF-style: chr3-122254340-C-T. GRCh37 (hg19) VCF-style: chr3-121973187-C-T.
Other names: c.151C>T, p.Leu51Phe (NM_001178065.2); short protein forms L51F.
Identifiers: ClinVar variation 956152 (VCV000956152.12), dbSNP rs996249687, ClinGen allele CA82607604.